The following is an entry in ClinVar:

NM_001035.3(RYR2):c.14073C>A (p.Asp4691Glu)

Gene: RYR2 (ryanodine receptor 2; plus strand). Cytogenetic location: 1q43.
Variant type: single nucleotide variant.
Coding change: c.14073C>A on transcript NM_001035.3 (MANE Select); coding-DNA position 14073, C replaced by A.
Protein change: p.Asp4691Glu; replaces aspartic acid 4691 with glutamic acid.
Molecular consequence: missense variant.
Genome position (GRCh38, 1-based): chr1:237,798,153, C>A. VCF-style: chr1-237798153-C-A. GRCh37 (hg19) VCF-style: chr1-237961453-C-A.
Other names: c.14073C>A (NM_001035.2); short protein forms D4691E.
Identifiers: ClinVar variation 1917212 (VCV001917212.6), dbSNP rs370393302, ClinGen allele CA345420060.

ClinVar aggregate classification (germline): Uncertain significance. Review status: criteria provided, multiple submitters, no conflicts (2 of 4 stars). 3 submissions from 3 submitters: Uncertain significance (3). Last evaluated 2026-03-12.

Conditions:
Catecholaminergic polymorphic ventricular tachycardia 1. Also called: VENTRICULAR TACHYCARDIA, CATECHOLAMINERGIC POLYMORPHIC, 1, WITH OR WITHOUT ATRIAL DYSFUNCTION AND/OR DILATED CARDIOMYOPATHY; RYR2-Related Catecholaminergic Polymorphic Ventricular Tachycardia; VENTRICULAR TACHYCARDIA, STRESS-INDUCED POLYMORPHIC 1. Identifiers: Orphanet 3286, MedGen C1631597, MONDO:0011484, OMIM 604772.
Cardiomyopathy (CMYO). Also called: Cardiomyopathies. Identifiers: Orphanet 167848, MedGen C0878544, MONDO:0004994, HP:0001638. Inheritance: Various modes of inheritance.
Cardiovascular phenotype. Identifiers: MedGen CN230736.

Submissions (3):

Ambry Genetics
Classification: Uncertain significance for Cardiovascular phenotype. Last evaluated: 2026-03-12. Review status: criteria provided, single submitter. Criteria: Ambry Variant Classification Scheme 2023. Collection method: clinical testing. Allele origin: germline.
Comment: The p.D4691E variant (also known as c.14073C>A), located in coding exon 97 of the RYR2 gene, results from a C to A substitution at nucleotide position 14073. The aspartic acid at codon 4691 is replaced by glutamic acid, an amino acid with highly similar properties. This amino acid position is conserved. In addition, the in silico prediction for this alteration is inconclusive. Based on the available evidence, the clinical significance of this variant remains unclear.

Color Diagnostics, LLC DBA Color Health
Classification: Uncertain significance for Cardiomyopathy. Last evaluated: 2025-08-07. Review status: criteria provided, single submitter. Criteria: ACMG Guidelines, 2015. Collection method: clinical testing. Allele origin: germline.
Comment: This missense variant replaces aspartic acid with glutamic acid at codon 4691 of the RYR2 protein. Computational prediction suggests that this variant may not impact protein structure and function. To our knowledge, functional studies have not been reported for this variant. This variant has not been reported in individuals affected with RYR2-related disorders in the literature. This variant has not been identified in the general population by the Genome Aggregation Database (gnomAD). The available evidence is insufficient to determine the role of this variant in disease conclusively. Therefore, this variant is classified as a Variant of Uncertain Significance.

Labcorp Genetics (formerly Invitae), Labcorp
Classification: Uncertain significance for Catecholaminergic polymorphic ventricular tachycardia 1. Last evaluated: 2022-02-27. Review status: criteria provided, single submitter. Criteria: Invitae Variant Classification Sherloc (09022015). Collection method: clinical testing. Allele origin: germline.
Comment: In summary, the available evidence is currently insufficient to determine the role of this variant in disease. Therefore, it has been classified as a Variant of Uncertain Significance. Advanced modeling of protein sequence and biophysical properties (such as structural, functional, and spatial information, amino acid conservation, physicochemical variation, residue mobility, and thermodynamic stability) performed at Invitae indicates that this missense variant is not expected to disrupt RYR2 protein function. This variant has not been reported in the literature in individuals affected with RYR2-related conditions. This variant is not present in population databases (gnomAD no frequency). This sequence change replaces aspartic acid, which is acidic and polar, with glutamic acid, which is acidic and polar, at codon 4691 of the RYR2 protein (p.Asp4691Glu).